The following is an entry in ClinVar:

NM_006996.3(SLC19A2):c.1366-184C>T

Gene: SLC19A2 (solute carrier family 19 member 2; minus strand). Cytogenetic location: 1q24.2.
Variant type: single nucleotide variant.
Coding change: c.1366-184C>T on transcript NM_006996.3 (MANE Select); 184 bases into the intron before coding-DNA position 1366, C replaced by T.
Molecular consequence: intron variant.
Genome position (GRCh38, 1-based): chr1:169,466,161, G>A on the plus strand (C>T on the coding strand, the complement: SLC19A2 is on the minus strand). VCF-style: chr1-169466161-G-A. GRCh37 (hg19) VCF-style: chr1-169435399-G-A.
Other names: c.763-184C>T (NM_001319667.1).
Identifiers: ClinVar variation 673252 (VCV000673252.1), dbSNP rs73051105, ClinGen allele CA32434939.
Genomic context (GRCh38, chr1:169,466,161, plus strand): 5'-CCCTGAAGACACAAAGCAGCATCACAGCACGGTGGTACTAAATAAAGCCTGACTGCCTGA[G>A]TGTGAATCCTGACTTCATCCCTTACAAGCTGCGTGAACTTGATTGAGATACTTCATCTCT-3'

ClinVar aggregate classification (germline): Benign (1 of 4 stars; one submission).

Allele frequency attached by ClinVar (database versions not stated): gnomAD 0.02998 and 0.03228; 1000 Genomes Project 0.03315; TOPMed 0.03436; 1000 Genomes Project 30x 0.03451.
gnomAD v4.1: 4,531 of 152,218 alleles (3%); highest among the groups gnomAD compares: African/African-American, 10%; 197 homozygotes.

Submission:

GeneDx
Classification: Benign. Last evaluated: 2018-06-14. Review status: criteria provided, single submitter. Criteria: GeneDx Variant Classification (06012015). Collection method: clinical testing. Allele origin: germline. Affected: yes.
Comment: This variant is considered likely benign or benign based on one or more of the following criteria: it is a conservative change, it occurs at a poorly conserved position in the protein, it is predicted to be benign by multiple in silico algorithms, and/or has population frequency not consistent with disease.